The following is an entry in ClinVar:

ClinVar aggregate classification (germline): Uncertain significance. Review status: criteria provided, multiple submitters, no conflicts (2 of 4 stars). 2 submissions from 2 submitters: Uncertain significance (2). Last evaluated 2025-10-02.

Submissions (2):

Ambry Genetics
Classification: Uncertain significance. Last evaluated: 2025-10-02. Review status: criteria provided, single submitter. Criteria: Ambry Variant Classification Scheme 2023. Collection method: clinical testing. Allele origin: germline.

Labcorp Genetics (formerly Invitae), Labcorp
Classification: Uncertain significance. Last evaluated: 2025-08-27. Review status: criteria provided, single submitter. Criteria: Invitae Variant Classification Sherloc (09022015). Collection method: clinical testing. Allele origin: germline.
Comment: This sequence change replaces histidine, which is basic and polar, with tyrosine, which is neutral and polar, at codon 581 of the SULF1 protein (p.His581Tyr). This variant is not present in population databases (gnomAD no frequency). This variant has not been reported in the literature in individuals affected with SULF1-related conditions. An algorithm developed to predict the effect of missense changes on protein structure and function (PolyPhen-2) suggests that this variant is likely to be tolerated. In summary, the available evidence is currently insufficient to determine the role of this variant in disease. Therefore, it has been classified as a Variant of Uncertain Significance.

NM_001128205.2(SULF1):c.1741C>T (p.His581Tyr)

Gene: SULF1 (sulfatase 1; plus strand). Cytogenetic location: 8q13.3.
Variant type: single nucleotide variant.
Coding change: c.1741C>T on transcript NM_001128205.2 (MANE Select); coding-DNA position 1741, C replaced by T.
Protein change: p.His581Tyr; replaces histidine 581 with tyrosine.
Molecular consequence: missense variant. On other transcripts: 5 prime UTR variant (1), non-coding transcript variant (7).
Genome position (GRCh38, 1-based): chr8:69,624,088, C>T. VCF-style: chr8-69624088-C-T. GRCh37 (hg19) VCF-style: chr8-70536323-C-T.
Other names: c.1741C>T, p.His581Tyr (NM_001128204.2, NM_001128206.2, NM_001412828.1 and 9 more transcripts); c.1612C>T, p.His538Tyr (NM_001412832.1, NM_001412838.1, NM_001412839.1 and 1 more transcripts); c.1684C>T, p.His562Tyr (NM_001412836.1, NM_001412837.1); c.1555C>T, p.His519Tyr (NM_001412841.1, NM_001412842.1); c.1141C>T, p.His381Tyr (NM_001412844.1, NM_001412845.1); c.-51C>T (NM_001412846.1); short protein forms H538Y, H381Y, H519Y, H581Y, H562Y.
Identifiers: ClinVar variation 4591161 (VCV004591161.2).